The following is an entry in ClinVar:

NM_198253.3(TERT):c.377C>A (p.Thr126Lys)

Gene: TERT (telomerase reverse transcriptase; minus strand). Cytogenetic location: 5p15.33.
Variant type: single nucleotide variant.
Coding change: c.377C>A on transcript NM_198253.3 (MANE Select); coding-DNA position 377, C replaced by A.
Protein change: p.Thr126Lys; replaces threonine 126 with lysine.
Molecular consequence: missense variant. On other transcripts: non-coding transcript variant (2).
Genome position (GRCh38, 1-based): chr5:1,294,509, G>T on the plus strand (C>A on the coding strand, the complement: TERT is on the minus strand). VCF-style: chr5-1294509-G-T. GRCh37 (hg19) VCF-style: chr5-1294624-G-T.
Other names: p.Thr126Lys; c.377C>A, p.Thr126Lys (NM_001193376.3); short protein forms T126K.
Identifiers: ClinVar variation 1695958 (VCV001695958.1), dbSNP rs2478428691, ClinGen allele CA359058154.
Genomic context (GRCh38, chr5:1,294,509, plus strand): 5'-TCGCCCACGCGGCGCAGCAGCAGCCCCCACGCCCCGCTCCCCCGCAGTGCGTCGGTCACC[G>T]TGTTGGGCAGGTAGCTGCGCACGCTGGTGGTGAAGGCCTCGGGGGGGCCCCCGCGGGCCC-3'
Protein context (NP_937983.2, residues 116-136): TTSVRSYLPN[Thr126Lys]VTDALRGSGA

ClinVar aggregate classification (germline): Likely risk allele (0 of 4 stars; one submission).

Conditions:
Pulmonary fibrosis. Identifiers: MedGen C0034069, MONDO:0002771, HP:0002206.

Submission:

Garcia Pulmonary Genetics Research Laboratory, Columbia University Irving Medical Center
Classification: Likely risk allele for Pulmonary fibrosis. Last evaluated: 2022-06-09. Review status: no assertion criteria provided. Collection method: research. Allele origin: germline. Affected: yes.
Comment: Leukocyte telomere length (by qPCR) less than 10th percentile age-adjusted